The following is an entry in ClinVar:

NM_004614.5(TK2):c.75G>T (p.Pro25=)

Genes: TK2 (thymidine kinase 2; minus strand), LOC130059156 (ATAC-STARR-seq lymphoblastoid silent region 7560; plus strand). Cytogenetic location: 16q21.
Variant type: single nucleotide variant.
Coding change: c.75G>T on transcript NM_004614.5 (MANE Select); coding-DNA position 75, G replaced by T.
Protein change: p.Pro25=; no amino-acid change (proline 25 retained).
Molecular consequence: synonymous variant. On other transcripts: 5 prime UTR variant (2), non-coding transcript variant (1), intron variant (2).
Genome position (GRCh38, 1-based): chr16:66,549,987, C>A on the plus strand (G>T on the coding strand, the complement: TK2 is on the minus strand). VCF-style: chr16-66549987-C-A. GRCh37 (hg19) VCF-style: chr16-66583890-C-A.
Other names: c.75G>T, p.Pro25= (NM_001172644.2, NM_001172645.2); c.-168G>T (NM_001271934.2); c.-578G>T (NM_001272050.2); c.31+266G>T (NM_001271935.1, NM_001172643.1).
Identifiers: ClinVar variation 2646601 (VCV002646601.24), dbSNP rs2507216539, ClinGen allele CA495918614.

ClinVar aggregate classification (germline): Likely benign (1 of 4 stars; one submission).

Allele frequency attached by ClinVar (database versions not stated): gnomAD exomes below 0.00001.
gnomAD v4.1: 3 of 1,513,988 alleles (0.0002%); highest among the groups gnomAD compares: Middle Eastern, 0.023%; no homozygotes.

Submission:

CeGaT Center for Human Genetics Tuebingen
Classification: Likely benign. Last evaluated: 2023-05-01. Review status: criteria provided, single submitter. Criteria: CeGaT Center For Human Genetics Tuebingen Variant Classification Criteria Version 2. Collection method: clinical testing. Allele origin: germline. Affected: yes. Observed: 1 variant allele.
Comment: TK2: PM2:Supporting, BP4, BP7